The following is an entry in ClinVar:

NM_177438.3(DICER1):c.2793T>C (p.Val931=)

Gene: DICER1 (dicer 1, ribonuclease III; minus strand). Cytogenetic location: 14q32.13.
Variant type: single nucleotide variant.
Coding change: c.2793T>C on transcript NM_177438.3 (MANE Select); coding-DNA position 2793, T replaced by C.
Protein change: p.Val931=; no amino-acid change (valine 931 retained).
Molecular consequence: synonymous variant.
Genome position (GRCh38, 1-based): chr14:95,107,619, A>G on the plus strand (T>C on the coding strand, the complement: DICER1 is on the minus strand). VCF-style: chr14-95107619-A-G. GRCh37 (hg19) VCF-style: chr14-95573956-A-G.
Other names: c.2793T>C, p.Val931= (NM_001195573.1, NM_001271282.3, NM_001291628.2 and 1 more transcripts).
Identifiers: ClinVar variation 821816 (VCV000821816.14), dbSNP rs1595378761, ClinGen allele CA487628159.

ClinVar aggregate classification (germline): Benign/Likely benign. Review status: criteria provided, multiple submitters, no conflicts (2 of 4 stars). 3 submissions from 3 submitters: Benign (1); Likely benign (2). Last evaluated 2026-04-16.

Conditions:
Hereditary cancer-predisposing syndrome. Also called: Tumor predisposition; Hereditary Cancer Syndrome; Hereditary neoplastic syndrome; Neoplastic Syndromes, Hereditary. Identifiers: Orphanet 140162, MedGen C0027672, MeSH D009386, MONDO:0015356.
DICER1-related tumor predisposition. Also called: DICER1 syndrome; DICER1-related pleuropulmonary blastoma cancer predisposition syndrome. Identifiers: Orphanet 284343, MedGen C3839822, MONDO:0100216.

Allele frequency attached by ClinVar (database versions not stated): gnomAD 0.00001; TOPMed below 0.00001.
gnomAD v4.1: 1 of 1,613,842 alleles (0.000062%); highest among the groups gnomAD compares: African/African-American, 0.0013%; no homozygotes.

Submissions (3):

Myriad Genetics, Inc.
Classification: Benign for DICER1-related tumor predisposition. Last evaluated: 2026-04-16. Review status: criteria provided, single submitter. Criteria: Myriad Autosomal Dominant, Autosomal Recessive and X-Linked Classification Criteria (2023). Collection method: clinical testing. Allele origin: unknown.
Comment: This variant is considered benign. This variant is a silent/synonymous amino acid change and it is not expected to impact splicing.

Labcorp Genetics (formerly Invitae), Labcorp
Classification: Likely benign for DICER1-related tumor predisposition. Last evaluated: 2024-01-09. Review status: criteria provided, single submitter. Criteria: Invitae Variant Classification Sherloc (09022015). Collection method: clinical testing. Allele origin: germline.

Ambry Genetics
Classification: Likely benign for Hereditary cancer-predisposing syndrome. Last evaluated: 2018-10-11. Review status: criteria provided, single submitter. Criteria: Ambry Variant Classification Scheme 2023. Collection method: clinical testing. Allele origin: germline.